The following is an entry in ClinVar:

NC_000002.12:g.227280441del

Genes: COL4A3 (collagen type IV alpha 3 chain; plus strand), MFF-DT (MFF divergent transcript; minus strand). Cytogenetic location: 2q36.3.
Variant type: Deletion.
Genome position: GRCh38 VCF-style: chr2-227280438-AG-A. GRCh37 (hg19) VCF-style: chr2-228145154-AG-A.
Identifiers: ClinVar variation 1371008 (VCV001371008.6), dbSNP rs2106151385, ClinGen allele CA2573135517.

ClinVar aggregate classification (germline): Pathogenic (1 of 4 stars; one submission).

Submission:

Labcorp Genetics (formerly Invitae), Labcorp
Classification: Pathogenic. Last evaluated: 2020-10-27. Review status: criteria provided, single submitter. Criteria: Invitae Variant Classification Sherloc (09022015). Collection method: clinical testing. Allele origin: germline.
Comment: This sequence change creates a premature translational stop signal (p.Gly742Glufs*5) in the COL4A3 gene. It is expected to result in an absent or disrupted protein product. Loss-of-function variants in COL4A3 are known to be pathogenic (PMID: 8956999, 24854265, 26809805, 27281700). This variant is not present in population databases (ExAC no frequency). This variant has not been reported in the literature in individuals with COL4A3-related conditions. For these reasons, this variant has been classified as Pathogenic.

Literature cited by the submitters: PubMed 8956999; PubMed 24854265; PubMed 26809805; PubMed 27281700.